The following is an entry in ClinVar:

GRCh38/hg38 6q25.3(chr6:157827805-159726548)x3

Genes: DYNLT1 (dynein light chain Tctex-type 1; minus strand), EZR (ezrin; minus strand), EZR-AS1 (EZR antisense RNA 1; plus strand), FNDC1 (fibronectin type III domain containing 1; plus strand), FNDC1-AS1 (FNDC1 antisense RNA 1; minus strand) and 97 more. Cytogenetic location: 6q25.3.
Variant type: copy number gain.
Change: copy number 3 (three copies instead of two) of chr6:157,827,805-159,726,548 (1.90 Mb, GRCh38 coordinates, 1-based), cytogenetic band 6q25.3.
Identifiers: ClinVar variation 58157 (VCV000058157.1).

ClinVar aggregate classification (germline): Pathogenic (1 of 4 stars; one submission).

Submission:

ISCA site 17
Classification: Pathogenic. Last evaluated: 2011-08-12. Review status: criteria provided, single submitter. Criteria: Kaminsky et al. (Genet Med. 2011). Collection method: clinical testing. Allele origin: de novo. Affected: yes. Observed: 1 variant allele.
Comment: Copy number variation identified through the course of routine clinical cytogenomic testing in postnatal populations. Clinical assertions have been curated as described in Kaminsky et al. 2011.